The following is an entry in ClinVar:

NM_001065.4(TNFRSF1A):c.62G>C (p.Gly21Ala)

Gene: TNFRSF1A (TNF receptor superfamily member 1A; minus strand). Cytogenetic location: 12p13.31.
Variant type: single nucleotide variant.
Coding change: c.62G>C on transcript NM_001065.4 (MANE Select); coding-DNA position 62, G replaced by C.
Protein change: p.Gly21Ala; replaces glycine 21 with alanine.
Molecular consequence: missense variant. On other transcripts: 5 prime UTR variant (1), non-coding transcript variant (1), intron variant (1).
Genome position (GRCh38, 1-based): chr12:6,334,222, C>G on the plus strand (G>C on the coding strand, the complement: TNFRSF1A is on the minus strand). VCF-style: chr12-6334222-C-G. GRCh37 (hg19) VCF-style: chr12-6443388-C-G.
Other names: c.-516G>C (NM_001346092.2); c.-131-357G>C (NM_001346091.2); short protein forms G21A.
Identifiers: ClinVar variation 1364686 (VCV001364686.8), dbSNP rs1180778404, ClinGen allele CA383551234.

ClinVar aggregate classification (germline): Uncertain significance (1 of 4 stars; one submission).

Conditions:
TNF receptor-associated periodic fever syndrome (TRAPS) (FPF). Also called: Autosomal Dominant Familial Periodic Fever; TNF Receptor-Associated Periodic Fever Syndrome; FAMILIAL HIBERNIAN FEVER; TNF RECEPTOR-ASSOCIATED PERIODIC SYNDROME; TUMOR NECROSIS FACTOR RECEPTOR-ASSOCIATED PERIODIC SYNDROME; TNF receptor 1-associated periodic fever syndrome. Identifiers: Orphanet 32960, MedGen C1275126, MONDO:0007727, OMIM 142680.

Allele frequency attached by ClinVar (database versions not stated): gnomAD 0.00001; gnomAD exomes 0.00001; TOPMed 0.00001.
gnomAD v4.1: 10 of 1,613,554 alleles (0.00062%); highest among the groups gnomAD compares: East Asian, 0.022%; no homozygotes.

Submission:

Labcorp Genetics (formerly Invitae), Labcorp
Classification: Uncertain significance for TNF receptor-associated periodic fever syndrome (TRAPS). Last evaluated: 2025-02-27. Review status: criteria provided, single submitter. Criteria: Invitae Variant Classification Sherloc (09022015). Collection method: clinical testing. Allele origin: germline.
Comment: This sequence change replaces glycine, which is neutral and non-polar, with alanine, which is neutral and non-polar, at codon 21 of the TNFRSF1A protein (p.Gly21Ala). This variant is present in population databases (no rsID available, gnomAD 0.02%). This variant has not been reported in the literature in individuals affected with TNFRSF1A-related conditions. ClinVar contains an entry for this variant (Variation ID: 1364686). Invitae Evidence Modeling of protein sequence and biophysical properties (such as structural, functional, and spatial information, amino acid conservation, physicochemical variation, residue mobility, and thermodynamic stability) has been performed for this missense variant. However, the output from this modeling did not meet the statistical confidence thresholds required to predict the impact of this variant on TNFRSF1A protein function. In summary, the available evidence is currently insufficient to determine the role of this variant in disease. Therefore, it has been classified as a Variant of Uncertain Significance.